The following is an entry in ClinVar:

ClinVar aggregate classification (germline): Benign/Likely benign. Review status: criteria provided, multiple submitters, no conflicts (2 of 4 stars). 9 submissions from 8 submitters: Benign (4); Likely benign (5). Last evaluated 2026-04-01.

Conditions:
Ectopia lentis et pupillae. Also called: ECTOPIA LENTIS WITH ECTOPIA OF PUPIL. Identifiers: Orphanet 1885, MedGen C1644196, MONDO:0009153, OMIM 225200.
Ectopia lentis 2, isolated, autosomal recessive (ECTOL2). Identifiers: Orphanet 1885, MedGen C3541474, MONDO:0009152, OMIM 225100.

Allele frequency attached by ClinVar (database versions not stated): 1000 Genomes Project 30x 0.00250; 1000 Genomes Project 0.00300; TOPMed 0.00906; ExAC 0.00937; gnomAD exomes 0.00938; gnomAD 0.00940 and 0.00984; ESP Exome Variant Server 0.01107.
gnomAD v4.1: 21,540 of 1,613,506 alleles (1.3%); highest among the groups gnomAD compares: Non-Finnish European, 1.7%; 202 homozygotes.

Submissions (9):

CeGaT Center for Human Genetics Tuebingen
Classification: Benign. Last evaluated: 2026-04-01. Review status: criteria provided, single submitter. Criteria: CeGaT Center For Human Genetics Tuebingen Variant Classification Criteria Version 2. Collection method: clinical testing. Allele origin: germline. Affected: yes. Observed: 2 variant alleles.
Comment: ADAMTSL4: BP4, BS1, BS2

Labcorp Genetics (formerly Invitae), Labcorp
Classification: Benign. Last evaluated: 2026-02-04. Review status: criteria provided, single submitter. Criteria: Invitae Variant Classification Sherloc (09022015). Collection method: clinical testing. Allele origin: germline.

Blueprint Genetics
Classification: Likely benign. Last evaluated: 2024-11-22. Review status: criteria provided, single submitter. Criteria: ACMG Guidelines, 2015. Collection method: clinical testing. Allele origin: germline.

GeneDx
Classification: Likely benign. Last evaluated: 2024-05-13. Review status: criteria provided, single submitter. Criteria: GeneDx Variant Classification Process June 2021. Collection method: clinical testing. Allele origin: germline. Affected: yes.
Comment: See Variant Classification Assertion Criteria.

Genome-Nilou Lab
Classification: Likely benign for Ectopia lentis et pupillae. Last evaluated: 2023-04-11. Review status: criteria provided, single submitter. Criteria: ACMG Guidelines, 2015. Collection method: clinical testing. Allele origin: germline. Affected: no.

Genome-Nilou Lab
Classification: Likely benign for Ectopia lentis 2, isolated, autosomal recessive. Last evaluated: 2023-04-11. Review status: criteria provided, single submitter. Criteria: ACMG Guidelines, 2015. Collection method: clinical testing. Allele origin: germline. Affected: no.

Illumina Laboratory Services, Illumina
Classification: Benign for Ectopia lentis 2, isolated, autosomal recessive. Last evaluated: 2018-01-12. Review status: criteria provided, single submitter. Criteria: ICSL Variant Classification Criteria 13 December 2019. Collection method: clinical testing. Allele origin: germline.
Comment: This variant was observed in the ICSL laboratory as part of a predisposition screen in an ostensibly healthy population. It had not been previously curated by ICSL or reported in the Human Gene Mutation Database (HGMD: prior to June 1st, 2018), and was therefore a candidate for classification through an automated scoring system. Utilizing variant allele frequency, disease prevalence and penetrance estimates, and inheritance mode, an automated score was calculated to assess if this variant is too frequent to cause the disease. Based on the score and internal cut-off values, a variant classified as benign is not then subjected to further curation. The score for this variant resulted in a classification of benign for this disease.

Breakthrough Genomics
Classification: Likely benign. Review status: criteria provided, single submitter. Criteria: ACMG Guidelines, 2015. Collection method: not provided. Allele origin: germline. Inheritance: Autosomal recessive inheritance. Affected: yes.

PreventionGenetics, part of Exact Sciences
Classification: Benign. Review status: criteria provided, single submitter. Criteria: ACMG Guidelines, 2015. Collection method: clinical testing. Allele origin: germline.

NM_019032.6(ADAMTSL4):c.2906C>A (p.Ala969Asp)

Gene: ADAMTSL4 (ADAMTS like 4; plus strand). Cytogenetic location: 1q21.2.
Variant type: single nucleotide variant.
Coding change: c.2906C>A on transcript NM_019032.6 (MANE Select); coding-DNA position 2906, C replaced by A.
Protein change: p.Ala969Asp; replaces alanine 969 with aspartic acid.
Molecular consequence: missense variant.
Genome position (GRCh38, 1-based): chr1:150,559,429, C>A. VCF-style: chr1-150559429-C-A. GRCh37 (hg19) VCF-style: chr1-150531905-C-A.
Other names: c.2789C>A, p.Ala930Asp (NM_001288607.2); c.2975C>A, p.Ala992Asp (NM_001288608.2); c.2906C>A, p.Ala969Asp (NM_001378596.1); short protein forms A969D, A992D, A930D.
Identifiers: ClinVar variation 261078 (VCV000261078.25), dbSNP rs150225445, ClinGen allele CA1078871.
Genomic context (GRCh38, chr1:150,559,429, plus strand): 5'-CTCCGAGCAACTGTTCTCACCTCCCCAGGCCCCCTGCCCTGCAGCCCTGTCAAGGGCAGG[C>A]CTGCCAGGACCGATGGTTTTCCACGCCCTGGAGCCCAGTGAGTGTCTGGCTGCGCTGTCC-3'
Protein context (NP_061905.2, residues 959-979): PPALQPCQGQ[Ala969Asp]CQDRWFSTPW